The following is an entry in ClinVar:

NC_000016.9:g.(?_3543839)_(3551089_?)dup

Genes: C16orf90 (chromosome 16 open reading frame 90; minus strand), CLUAP1 (clusterin associated protein 1; plus strand). Cytogenetic location: 16p13.3.
Variant type: Duplication.
Identifiers: ClinVar variation 1017201 (VCV001017201.2).

ClinVar aggregate classification (germline): Uncertain significance (1 of 4 stars; one submission).

Submission:

Labcorp Genetics (formerly Invitae), Labcorp
Classification: Uncertain significance. Last evaluated: 2022-03-29. Review status: criteria provided, single submitter. Criteria: Invitae Variant Classification Sherloc (09022015). Collection method: clinical testing. Allele origin: germline.
Comment: This variant results in a copy number gain of the genomic region encompassing exon(s) 1 of the CLUAP1 gene. This region includes the initiator codon of the gene. This copy number gain extends beyond the assayed region for this gene and therefore may encompass additional genes. As the precise location of this event is unknown, it may be in tandem or it may be located elsewhere in the genome. This variant has not been reported in the literature in individuals affected with CLUAP1-related conditions. In summary, the available evidence is currently insufficient to determine the role of this variant in disease. Therefore, it has been classified as a Variant of Uncertain Significance.